The following is an entry in ClinVar:

NM_000256.3(MYBPC3):c.2015C>T (p.Pro672Leu)

Gene: MYBPC3 (myosin binding protein C3; minus strand). Cytogenetic location: 11p11.2.
Variant type: single nucleotide variant.
Coding change: c.2015C>T on transcript NM_000256.3 (MANE Select); coding-DNA position 2015, C replaced by T.
Protein change: p.Pro672Leu; replaces proline 672 with leucine.
Molecular consequence: missense variant.
Genome position (GRCh38, 1-based): chr11:47,339,703, G>A on the plus strand (C>T on the coding strand, the complement: MYBPC3 is on the minus strand). VCF-style: chr11-47339703-G-A. GRCh37 (hg19) VCF-style: chr11-47361254-G-A.
Other names: short protein forms P672L.
Identifiers: ClinVar variation 3387126 (VCV003387126.2).
Genomic context (GRCh38, chr11:47,339,703, plus strand): 5'-CACAGTACCTGCGTGATAGCCTTCTGCCAGATCACAGTGGGAGCAGGGTCCCCAGAGATA[G>A]GGACGTCCAGACGTAGCTTATTTCCAGCTACAACCACAATGGTGTCTGGTATGCGGCCTG-3'
Protein context (NP_000247.2, residues 662-682): VAGNKLRLDV[Pro672Leu]ISGDPAPTVI

ClinVar aggregate classification (germline): Uncertain significance. Review status: criteria provided, multiple submitters, no conflicts (2 of 4 stars). 2 submissions from 2 submitters: Uncertain significance (2). Last evaluated 2025-10-01.

Conditions:
Cardiovascular phenotype. Identifiers: MedGen CN230736.
Hypertrophic cardiomyopathy. Also called: HYPERTROPHIC MYOCARDIOPATHY. Identifiers: Orphanet 217569, MedGen C0007194, MeSH D002312, MONDO:0005045, HP:0001639.

Submissions (2):

Ambry Genetics
Classification: Uncertain significance for Cardiovascular phenotype. Last evaluated: 2025-10-01. Review status: criteria provided, single submitter. Criteria: Ambry Variant Classification Scheme 2023. Collection method: clinical testing. Allele origin: germline.
Comment: The p.P672L variant (also known as c.2015C>T), located in coding exon 21 of the MYBPC3 gene, results from a C to T substitution at nucleotide position 2015. The proline at codon 672 is replaced by leucine, an amino acid with similar properties. This amino acid position is conserved. In addition, this alteration is predicted to be deleterious by in silico analysis. Based on the available evidence, the clinical significance of this variant remains unclear.

All of Us Research Program, National Institutes of Health
Classification: Uncertain significance for Hypertrophic cardiomyopathy. Last evaluated: 2024-04-16. Review status: criteria provided, single submitter. Criteria: ACMG Guidelines, 2015. Collection method: clinical testing. Allele origin: germline. Inheritance: Autosomal dominant inheritance. Observed: 1 variant allele, 1 heterozygote.
Comment: This missense variant replaces proline with leucine at codon 672 of the MYBPC3 protein. Computational prediction is inconclusive regarding the impact of this variant on protein structure and function (internally defined REVEL score threshold 0.5 < inconclusive < 0.7, PMID: 27666373). To our knowledge, functional studies have not been reported for this variant. This variant has not been reported in individuals affected with MYBPC3-related disorders in the literature. This variant has not been identified in the general population by the Genome Aggregation Database (gnomAD). The available evidence is insufficient to determine the role of this variant in disease conclusively. Therefore, this variant is classified as a Variant of Uncertain Significance.

This study involves interpretation of variants in research participants for the purpose of population health screening. Participant phenotype was not available at the time of variant classification. Additional details can be found in publication PMID: 35346344, PMCID: PMC8962531